The following is an entry in ClinVar:

ClinVar aggregate classification (germline): Benign (1 of 4 stars; one submission).

gnomAD v4.1: 18 of 398,442 alleles (0.0045%); highest among the groups gnomAD compares: Middle Eastern, 0.12%; no homozygotes.

Submission:

CeGaT Center for Human Genetics Tuebingen
Classification: Benign. Last evaluated: 2026-02-01. Review status: criteria provided, single submitter. Criteria: CeGaT Center For Human Genetics Tuebingen Variant Classification Criteria Version 2. Collection method: clinical testing. Allele origin: germline. Affected: yes. Observed: 1 variant allele.
Comment: KCNQ1OT1: BS1, BS2

NM_000218.3(KCNQ1):c.1393+29683C>T

Genes: KCNQ1 (potassium voltage-gated channel subfamily Q member 1; plus strand), KCNQ1OT1 (KCNQ1 opposite strand/antisense transcript 1; minus strand). Cytogenetic location: 11p15.5.
Variant type: single nucleotide variant.
Coding change: c.1393+29683C>T on transcript NM_000218.3 (MANE Select); 29683 bases into the intron after coding-DNA position 1393, C replaced by T.
Molecular consequence: intron variant. On other transcripts: non-coding transcript variant (1).
Genome position (GRCh38, 1-based): chr11:2,618,537, C>T. VCF-style: chr11-2618537-C-T. GRCh37 (hg19) VCF-style: chr11-2639767-C-T.
Other names: c.1123+29683C>T (NM_001406837.1); c.1297+29683C>T (NM_001406836.1); c.853+29683C>T (NM_001406838.1); c.1012+29683C>T (NM_181798.2).
Identifiers: ClinVar variation 4822381 (VCV004822381.4).